The following is an entry in ClinVar:

ClinVar aggregate classification (germline): Uncertain significance (1 of 4 stars; one submission).

Submission:

GeneDx
Classification: Uncertain significance. Last evaluated: 2025-04-08. Review status: criteria provided, single submitter. Criteria: GeneDx Variant Classification Process June 2021. Collection method: clinical testing. Allele origin: germline. Affected: yes.
Comment: Not observed at significant frequency in large population cohorts (gnomAD); Missense variant in a gene in which most reported pathogenic variants are truncating/loss of function; Has not been previously published as pathogenic or benign to our knowledge

NM_001267550.2(TTN):c.90777T>G (p.Cys30259Trp)

Genes: TTN (titin; minus strand), TTN-AS1 (TTN antisense RNA 1; plus strand). Cytogenetic location: 2q31.2.
Variant type: single nucleotide variant.
Coding change: c.90777T>G on transcript NM_001267550.2 (MANE Select); coding-DNA position 90777, T replaced by G.
Protein change: p.Cys30259Trp; replaces cysteine 30259 with tryptophan.
Molecular consequence: missense variant.
Genome position (GRCh38, 1-based): chr2:178,552,123, A>C on the plus strand (T>G on the coding strand, the complement: TTN is on the minus strand). VCF-style: chr2-178552123-A-C. GRCh37 (hg19) VCF-style: chr2-179416850-A-C.
Other names: c.85854T>G, p.Cys28618Trp (NM_001256850.1); c.63582T>G, p.Cys21194Trp (NM_003319.4); c.83073T>G, p.Cys27691Trp (NM_133378.4); c.63957T>G, p.Cys21319Trp (NM_133432.3); c.64158T>G, p.Cys21386Trp (NM_133437.4); short protein forms C21194W, C21319W, C21386W, C27691W, C28618W, C30259W.
Identifiers: ClinVar variation 4281899 (VCV004281899.1).